The following is an entry in ClinVar:

NM_000038.6(APC):c.3765C>A (p.Asn1255Lys)

Gene: APC (APC regulator of Wnt signaling pathway; plus strand). Cytogenetic location: 5q22.2.
Variant type: single nucleotide variant.
Coding change: c.3765C>A on transcript NM_000038.6 (MANE Select); coding-DNA position 3765, C replaced by A.
Protein change: p.Asn1255Lys; replaces asparagine 1255 with lysine.
Molecular consequence: missense variant.
Genome position (GRCh38, 1-based): chr5:112,839,359, C>A. VCF-style: chr5-112839359-C-A. GRCh37 (hg19) VCF-style: chr5-112175056-C-A.
Other names: c.3765C>A, p.Asn1255Lys (NM_001127510.3, NM_001354895.2); c.3711C>A, p.Asn1237Lys (NM_001127511.3); c.3819C>A, p.Asn1273Lys (NM_001354896.2); c.3795C>A, p.Asn1265Lys (NM_001354897.2); c.3690C>A, p.Asn1230Lys (NM_001354898.2); c.3681C>A, p.Asn1227Lys (NM_001354899.2); c.3642C>A, p.Asn1214Lys (NM_001354900.2); c.3588C>A, p.Asn1196Lys (NM_001354901.2); and 5 more; short protein forms N1237K, N1255K, N1164K, N1214K, N1095K, N1129K, N1154K, N1227K.
Identifiers: ClinVar variation 232735 (VCV000232735.5), dbSNP rs876659957, ClinGen allele CA10578356.

ClinVar aggregate classification (germline): Uncertain significance (1 of 4 stars; one submission).

Conditions:
Hereditary cancer-predisposing syndrome. Also called: Neoplastic Syndromes, Hereditary; Tumor predisposition; Hereditary Cancer Syndrome; Hereditary neoplastic syndrome. Identifiers: Orphanet 140162, MedGen C0027672, MeSH D009386, MONDO:0015356.

Submission:

Ambry Genetics
Classification: Uncertain significance for Hereditary cancer-predisposing syndrome. Last evaluated: 2015-08-19. Review status: criteria provided, single submitter. Criteria: Ambry Variant Classification Scheme 2023. Collection method: clinical testing. Allele origin: germline.
Comment: The p.N1255K variant (also known as c.3765C>A), located in coding exon 15 of the APC gene, results from a C to A substitution at nucleotide position 3765. The asparagine at codon 1255 is replaced by lysine, an amino acid with similar properties. This variant was not reported in population based cohorts in the following databases: Database of Single Nucleotide Polymorphisms (dbSNP), NHLBI Exome Sequencing Project (ESP), and 1000 Genomes Project. In the ESP, this variant was not observed in 6502 samples (13004 alleles) with coverage at this position. To date, this alteration has been detected with an allele frequency of approximately 0.003% (greater than 32000 alleles tested) in our clinical cohort. This amino acid position is well conserved in available vertebrate species. In addition, in silico predictors for this gene do not accurately predict pathogenicity. Since supporting evidence is limited at this time, the clinical significance of p.N1255K remains unclear.